The following is an entry in ClinVar:

ClinVar aggregate classification (germline): Conflicting classifications of pathogenicity. Review status: criteria provided, conflicting classifications (1 of 4 stars). 2 submissions from 2 submitters: Uncertain significance (1); Likely benign (1). Last evaluated 2023-03-23.

Conditions:
Hereditary breast ovarian cancer syndrome. Also called: BRCA1- and BRCA2-Associated Hereditary Breast and Ovarian Cancer; Hereditary breast and/or ovarian cancer syndrome; Hereditary breast and ovarian cancer syndrome; Hereditary breast and ovarian cancer; Breast and ovarian cancer; Hereditary breast and ovarian cancer syndrome (HBOC). Identifiers: Orphanet 145, MedGen C0677776, MeSH D061325, MONDO:0003582. Disease mechanism: loss of function.
Hereditary cancer-predisposing syndrome. Also called: Tumor predisposition; Hereditary neoplastic syndrome; Hereditary Cancer Syndrome; Neoplastic Syndromes, Hereditary. Identifiers: Orphanet 140162, MedGen C0027672, MeSH D009386, MONDO:0015356.

Submissions (2):

University of Washington Department of Laboratory Medicine, University of Washington
Classification: Likely benign for Hereditary cancer-predisposing syndrome. Last evaluated: 2023-03-23. Review status: criteria provided, single submitter. Criteria: Dines et al. (Genet Med. 2020). Collection method: curation. Allele origin: germline.
Comment: Missense variant in a coldspot region where missense variants are very unlikely to be pathogenic (PMID:31911673).

BRCA1 coldspot (exon 11 using historical exon numbering). Reclassification based on statistical prior probability

Labcorp Genetics (formerly Invitae), Labcorp
Classification: Uncertain significance for Hereditary breast ovarian cancer syndrome. Last evaluated: 2019-08-18. Review status: criteria provided, single submitter. Criteria: Invitae Variant Classification Sherloc (09022015). Collection method: clinical testing. Allele origin: germline.
Comment: Algorithms developed to predict the effect of missense changes on protein structure and function output the following: SIFT: "Tolerated"; PolyPhen-2: "Benign"; Align-GVGD: "Class C0". The leucine amino acid residue is found in multiple mammalian species, suggesting that this missense change does not adversely affect protein function. These predictions have not been confirmed by published functional studies and their clinical significance is uncertain. This sequence change replaces phenylalanine with leucine at codon 1193 of the BRCA1 protein (p.Phe1193Leu). The phenylalanine residue is weakly conserved and there is a small physicochemical difference between phenylalanine and leucine. This variant is not present in population databases (ExAC no frequency). This variant has been observed in an individual affected with breast cancer (PMID: 11793480). In summary, the available evidence is currently insufficient to determine the role of this variant in disease. Therefore, it has been classified as a Variant of Uncertain Significance.

Literature cited by the submitters: PubMed 11793480 (cited by Labcorp Genetics (formerly Invitae), Labcorp).

NM_007294.4(BRCA1):c.3579C>G (p.Phe1193Leu)

Genes: BRCA1 (BRCA1 DNA repair associated; minus strand), LOC126862571 (BRD4-independent group 4 enhancer GRCh37_chr17:41243136-41244335; plus strand). Cytogenetic location: 17q21.31.
Variant type: single nucleotide variant.
Coding change: c.3579C>G on transcript NM_007294.4 (MANE Select); coding-DNA position 3579, C replaced by G.
Protein change: p.Phe1193Leu; replaces phenylalanine 1193 with leucine.
Molecular consequence: missense variant. On other transcripts: intron variant (135).
Genome position (GRCh38, 1-based): chr17:43,091,952, G>C on the plus strand (C>G on the coding strand, the complement: BRCA1 is on the minus strand). VCF-style: chr17-43091952-G-C. GRCh37 (hg19) VCF-style: chr17-41243969-G-C.
Other names: c.3501C>G, p.Phe1167Leu (NM_001407658.1, NM_001407663.1, NM_001407653.1 and 4 more transcripts); c.3498C>G, p.Phe1166Leu (NM_001407659.1, NM_001407660.1, NM_001407661.1 and 1 more transcripts); c.3366C>G, p.Phe1122Leu (NM_001407571.1, NM_001407853.1, NM_001407894.1 and 9 more transcripts); c.3579C>G, p.Phe1193Leu (NM_001407602.1, NM_001407603.1, NM_001407605.1 and 30 more transcripts); c.3576C>G, p.Phe1192Leu (NM_001407610.1, NM_001407611.1, NM_001407612.1 and 22 more transcripts); c.3456C>G, p.Phe1152Leu (NM_001407678.1, NM_001407679.1, NM_001407674.1 and 19 more transcripts); c.3453C>G, p.Phe1151Leu (NM_001407670.1, NM_001407671.1, NM_001407672.1 and 11 more transcripts); c.3570C>G, p.Phe1190Leu (NM_001407646.1, NM_001407647.1); and 41 more; short protein forms F1193L, F1146L, F1065L, F1082L, F1145L, F1190L, F1192L, F1066L.
Identifiers: ClinVar variation 938265 (VCV000938265.13), dbSNP rs2053562704, ClinGen allele CA10594803.